The following is an entry in ClinVar:

NM_032638.5(GATA2):c.841A>C (p.Lys281Gln)

Gene: GATA2 (GATA binding protein 2; minus strand). Cytogenetic location: 3q21.3.
Variant type: single nucleotide variant.
Coding change: c.841A>C on transcript NM_032638.5 (MANE Select); coding-DNA position 841, A replaced by C.
Protein change: p.Lys281Gln; replaces lysine 281 with glutamine.
Molecular consequence: missense variant.
Genome position (GRCh38, 1-based): chr3:128,485,757, T>G on the plus strand (A>C on the coding strand, the complement: GATA2 is on the minus strand). VCF-style: chr3-128485757-T-G. GRCh37 (hg19) VCF-style: chr3-128204600-T-G.
Other names: c.841A>C, p.Lys281Gln (NM_001145661.2, NM_001145662.1); short protein forms K281Q.
Identifiers: ClinVar variation 4262117 (VCV004262117.1).
Genomic context (GRCh38, chr3:128,485,757, plus strand): 5'-TTCCACGAAGTCCCCAGCACCTGCCTTTACCTGAACAGGAACGAGCCTTGCTGCGCTGCT[T>G]AGGGGTGAAGCTGGAGGCCGGTCCCCCCAGGAAGCCTCCGGGGTGGAAGAGTCCGCTGCT-3'
Protein context (NP_116027.2, residues 271-291): LGGPASSFTP[Lys281Gln]QRSKARSCSE

ClinVar aggregate classification (germline): Uncertain significance (1 of 4 stars; one submission).

Conditions:
Inborn genetic diseases. Identifiers: MedGen C0950123, MeSH D030342.

Submission:

Ambry Genetics
Classification: Uncertain significance for Inborn genetic diseases. Last evaluated: 2025-06-26. Review status: criteria provided, single submitter. Criteria: Ambry Variant Classification Scheme 2023. Collection method: clinical testing. Allele origin: germline.
Comment: The p.K281Q variant (also known as c.841A>C), located in coding exon 2 of the GATA2 gene, results from an A to C substitution at nucleotide position 841. The lysine at codon 281 is replaced by glutamine, an amino acid with similar properties. This amino acid position is conserved. In addition, the in silico prediction for this alteration is inconclusive. Based on the available evidence, the clinical significance of this variant remains unclear.